The following is an entry in ClinVar:

NM_000059.4(BRCA2):c.3307_3322del (p.Leu1103fs)

Gene: BRCA2 (BRCA2 DNA repair associated; plus strand). Cytogenetic location: 13q13.1.
Variant type: Deletion.
Coding change: c.3307_3322del on transcript NM_000059.4 (MANE Select); coding-DNA positions 3307 to 3322, 16 bases deleted (TTAACACCTAGCCAAA).
Protein change: p.Leu1103fs; shifts the reading frame from leucine 1103.
Molecular consequence: frameshift variant. On other transcripts: non-coding transcript variant (1), intron variant (2).
Genome position (GRCh38, 1-based): chr13:32,337,662-32,337,677, TTAACACCTAGCCAAA deleted. VCF-style (leftmost placement, unchanged base first): chr13-32337661-TTTAACACCTAGCCAAA-T. GRCh37 (hg19) VCF-style: chr13-32911798-TTTAACACCTAGCCAAA-T.
Other names: c.3307_3322del, p.Leu1103fs (NM_001406719.1, NM_001406720.1, NM_001432077.1); c.1909+4275_1909+4290del (NM_001406721.1); c.424+6632_424+6647del (NM_001406722.1); short protein forms L1103fs.
Identifiers: ClinVar variation 4683156 (VCV004683156.1).

ClinVar aggregate classification (germline): Pathogenic (1 of 4 stars; one submission).

Conditions:
Inherited breast cancer and ovarian cancer.

Submission:

Cambridge Genomics Laboratory, East Genomic Laboratory Hub, NHS Genomic Medicine Service
Classification: Pathogenic for Inherited breast cancer and ovarian cancer. Last evaluated: 2025-04-11. Review status: criteria provided, single submitter. Criteria: ACGS Best Practice Guidelines for Variant Classification in Rare Disease 2020. Collection method: clinical testing. Allele origin: germline. Affected: yes.
Comment: PVS1,PM2_Supporting,PM5_Strong